The following is an entry in ClinVar:

NM_001130144.3(LTBP3):c.3883G>C (p.Gly1295Arg)

Gene: LTBP3 (latent transforming growth factor beta binding protein 3; minus strand). Cytogenetic location: 11q13.1.
Variant type: single nucleotide variant.
Coding change: c.3883G>C on transcript NM_001130144.3 (MANE Select); coding-DNA position 3883, G replaced by C.
Protein change: p.Gly1295Arg; replaces glycine 1295 with arginine.
Molecular consequence: missense variant.
Genome position (GRCh38, 1-based): chr11:65,539,109, C>G on the plus strand (G>C on the coding strand, the complement: LTBP3 is on the minus strand). VCF-style: chr11-65539109-C-G. GRCh37 (hg19) VCF-style: chr11-65306580-C-G.
Other names: c.3391G>C, p.Gly1131Arg (NM_001164266.1); c.3742G>C, p.Gly1248Arg (NM_021070.4); short protein forms G1131R, G1295R, G1248R.
Identifiers: ClinVar variation 2997691 (VCV002997691.3), dbSNP rs1306827339, ClinGen allele CA381265800.

ClinVar aggregate classification (germline): Uncertain significance (1 of 4 stars; one submission).

Conditions:
Brachyolmia-amelogenesis imperfecta syndrome. Also called: PLATYSPONDYLY WITH AMELOGENESIS IMPERFECTA; Tooth agenesis, selective, 6; Dental anomalies and short stature. Identifiers: Orphanet 2899, MedGen C1832594, MONDO:0011018, OMIM 601216. Disease mechanism: loss of function.

Submission:

Labcorp Genetics (formerly Invitae), Labcorp
Classification: Uncertain significance for Brachyolmia-amelogenesis imperfecta syndrome. Last evaluated: 2022-11-20. Review status: criteria provided, single submitter. Criteria: Invitae Variant Classification Sherloc (09022015). Collection method: clinical testing. Allele origin: germline.
Comment: In summary, the available evidence is currently insufficient to determine the role of this variant in disease. Therefore, it has been classified as a Variant of Uncertain Significance. Algorithms developed to predict the effect of missense changes on protein structure and function are either unavailable or do not agree on the potential impact of this missense change (SIFT: "Tolerated"; PolyPhen-2: "Probably Damaging"; Align-GVGD: "Class C0"). This variant has not been reported in the literature in individuals affected with LTBP3-related conditions. This variant is not present in population databases (gnomAD no frequency). This sequence change replaces glycine, which is neutral and non-polar, with arginine, which is basic and polar, at codon 1295 of the LTBP3 protein (p.Gly1295Arg).